The following is an entry in ClinVar:

ClinVar aggregate classification (germline): Uncertain significance (1 of 4 stars; one submission).

Conditions:
Pulmonary fibrosis and/or bone marrow failure, Telomere-related, 3. Also called: PULMONARY FIBROSIS AND/OR BONE MARROW FAILURE SYNDROME, TELOMERE-RELATED, 3. Identifiers: Orphanet 2032, MedGen C4225346, MONDO:0014613, OMIM 616373.
Dyskeratosis congenita, autosomal recessive 5 (DKCB5). Identifiers: MedGen C3554656, MONDO:0014076, OMIM 615190.

Submission:

Labcorp Genetics (formerly Invitae), Labcorp
Classification: Uncertain significance for Dyskeratosis congenita, autosomal recessive 5; Pulmonary fibrosis and/or bone marrow failure, Telomere-related, 3. Last evaluated: 2024-08-01. Review status: criteria provided, single submitter. Criteria: Invitae Variant Classification Sherloc (09022015). Collection method: clinical testing. Allele origin: germline.
Comment: This sequence change replaces cysteine, which is neutral and slightly polar, with arginine, which is basic and polar, at codon 259 of the RTEL1 protein (p.Cys259Arg). This variant is not present in population databases (gnomAD no frequency). This variant has not been reported in the literature in individuals affected with RTEL1-related conditions. An algorithm developed to predict the effect of missense changes on protein structure and function (PolyPhen-2) suggests that this variant is likely to be disruptive. In summary, the available evidence is currently insufficient to determine the role of this variant in disease. Therefore, it has been classified as a Variant of Uncertain Significance.

NM_001283009.2(RTEL1):c.775T>C (p.Cys259Arg)

Genes: RTEL1 (regulator of telomere elongation helicase 1; plus strand), RTEL1-TNFRSF6B (RTEL1-TNFRSF6B readthrough (NMD candidate); plus strand). Cytogenetic location: 20q13.33.
Variant type: single nucleotide variant.
Coding change: c.775T>C on transcript NM_001283009.2 (MANE Select); coding-DNA position 775, T replaced by C.
Protein change: p.Cys259Arg; replaces cysteine 259 with arginine.
Molecular consequence: missense variant. On other transcripts: non-coding transcript variant (1).
Genome position (GRCh38, 1-based): chr20:63,673,949, T>C. VCF-style: chr20-63673949-T-C. GRCh37 (hg19) VCF-style: chr20-62305302-T-C.
Other names: c.106T>C, p.Cys36Arg (NM_001283010.1); c.775T>C, p.Cys259Arg (NM_016434.4); c.847T>C, p.Cys283Arg (NM_032957.5); short protein forms C259R, C283R, C36R.
Identifiers: ClinVar variation 3757413 (VCV003757413.2).